The following is an entry in ClinVar:

ClinVar aggregate classification (germline): Uncertain significance (1 of 4 stars; one submission).

Conditions:
MELAS syndrome (MELAS). Also called: Juvenile myopathy, encephalopathy, lactic acidosis, stroke. Identifiers: Orphanet 550, MedGen C0162671, MONDO:0010789, OMIM 540000.

Submission:

Wong Mito Lab, Molecular and Human Genetics, Baylor College of Medicine
Classification: Uncertain significance for MELAS syndrome. Last evaluated: 2019-07-12. Review status: criteria provided, single submitter. Criteria: Modified ACMG Guidelines (Unpublished). Collection method: clinical testing. Allele origin: germline.
Comment: The NC_012920.1:m.4399T>C variant in MT-TQ gene is interpreted to be a Unknown Significance variant based on the modified ACMG guidelines (unpublished). This variant meets the following evidence codes reported in the guidelines: PP3

Literature cited by the submitters: PubMed 31965079.

NC_012920.1(MT-TQ):m.4399T>C

Gene: MT-TQ (mitochondrially encoded tRNA glutamine; minus strand).
Variant type: single nucleotide variant.
Genome position: chrM-4399-T-C.
Identifiers: ClinVar variation 689907 (VCV000689907.1), dbSNP rs1603219445, ClinGen allele CA913178017.
Genomic context (GRCh38, chrMT:4,399, plus strand): 5'-GAGAATCGAACCCATCCCTGAGAATCCAAAATTCTCCGTGCCACCTATCACACCCCATCC[T>C]AAAGTAAGGTCAGCTAAATAAGCTATCGGGCCCATACCCCGAAAATGTTGGTTATACCCT-3'